The following is an entry in ClinVar:

NM_170606.3(KMT2C):c.14694G>A (p.Pro4898=)

Gene: KMT2C (lysine methyltransferase 2C; minus strand). Cytogenetic location: 7q36.1.
Variant type: single nucleotide variant.
Coding change: c.14694G>A on transcript NM_170606.3 (MANE Select); coding-DNA position 14694, G replaced by A.
Protein change: p.Pro4898=; no amino-acid change (proline 4898 retained).
Molecular consequence: synonymous variant.
Genome position (GRCh38, 1-based): chr7:152,136,874, C>T on the plus strand (G>A on the coding strand, the complement: KMT2C is on the minus strand). VCF-style: chr7-152136874-C-T. GRCh37 (hg19) VCF-style: chr7-151833959-C-T.
Identifiers: ClinVar variation 5041013 (VCV005041013.1).

ClinVar aggregate classification (germline): Likely benign (1 of 4 stars; one submission).

gnomAD v4.1: 34 of 1,613,512 alleles (0.0021%); highest among the groups gnomAD compares: South Asian, 0.012%; no homozygotes.

Submission:

CeGaT Center for Human Genetics Tuebingen
Classification: Likely benign. Last evaluated: 2026-09-01. Review status: criteria provided, single submitter. Criteria: CeGaT Center For Human Genetics Tuebingen Variant Classification Criteria Version 2. Collection method: clinical testing. Allele origin: germline. Affected: yes. Observed: 1 variant allele.
Comment: KMT2C: BP4, BP7